The following is an entry in ClinVar:

NM_013432.5(TONSL):c.437del (p.Glu146fs)

Gene: TONSL (tonsoku like, DNA repair protein; minus strand). Cytogenetic location: 8q24.3.
Variant type: Deletion.
Coding change: c.437del on transcript NM_013432.5 (MANE Select); coding-DNA position 437, one base deleted (A; older notation c.437delA).
Protein change: p.Glu146fs; shifts the reading frame from glutamic acid 146.
Molecular consequence: frameshift variant.
Genome position (GRCh38, 1-based): chr8:144,443,149, T deleted on the plus strand (A on the coding strand, the reverse complement: TONSL is on the minus strand). VCF-style (leftmost placement, unchanged base first): chr8-144443148-CT-C. GRCh37 (hg19) VCF-style: chr8-145668531-CT-C.
Other names: short protein forms E146fs.
Identifiers: ClinVar variation 2026439 (VCV002026439.4), dbSNP rs1188488324, ClinGen allele CA586164512.

ClinVar aggregate classification (germline): Pathogenic (1 of 4 stars; one submission).

Allele frequency attached by ClinVar (database versions not stated): TOPMed below 0.00001; gnomAD 0.00001; gnomAD exomes 0.00001.

Submission:

Labcorp Genetics (formerly Invitae), Labcorp
Classification: Pathogenic. Last evaluated: 2022-10-25. Review status: criteria provided, single submitter. Criteria: Invitae Variant Classification Sherloc (09022015). Collection method: clinical testing. Allele origin: germline.
Comment: For these reasons, this variant has been classified as Pathogenic. Algorithms developed to predict the effect of sequence changes on RNA splicing suggest that this variant may disrupt the consensus splice site. This variant has not been reported in the literature in individuals affected with TONSL-related conditions. This variant is present in population databases (no rsID available, gnomAD 0.003%). This sequence change creates a premature translational stop signal (p.Glu146Glyfs*12) in the TONSL gene. It is expected to result in an absent or disrupted protein product. Loss-of-function variants in TONSL are known to be pathogenic (PMID: 30773277).

Literature cited by the submitters: PubMed 30773277.